The following is an entry in ClinVar:

ClinVar aggregate classification (germline): Benign/Likely benign. Review status: criteria provided, multiple submitters, no conflicts (2 of 4 stars). 7 submissions from 7 submitters: Benign (2); Likely benign (4). 1 of the submissions does not count toward it. Last evaluated 2026-01-27.

Conditions:
Hyperalphalipoproteinemia 1 (HALP1). Also called: CETP-Related Hyperalphalipoproteinemia; CETP DEFICIENCY. Identifiers: MedGen C3149462, OMIM 143470.
CETP-related disorder. Also called: CETP-related condition.

Allele frequency attached by ClinVar (database versions not stated): ExAC 0.00104; gnomAD exomes 0.00108; TOPMed 0.00202; ESP Exome Variant Server 0.00254; 1000 Genomes Project 0.00280; 1000 Genomes Project 30x 0.00328.
gnomAD v4.1: 2,310 of 1,613,138 alleles (0.14%); highest among the groups gnomAD compares: African/African-American, 0.52%; 3 homozygotes.

Submissions (7):

Labcorp Genetics (formerly Invitae), Labcorp
Classification: Likely benign. Last evaluated: 2026-01-27. Review status: criteria provided, single submitter. Criteria: Invitae Variant Classification Sherloc (09022015). Collection method: clinical testing. Allele origin: germline.

Mayo Clinic Laboratories, Mayo Clinic
Classification: Benign. Last evaluated: 2024-12-17. Review status: criteria provided, single submitter. Criteria: ACMG Guidelines, 2015. Collection method: clinical testing. Allele origin: germline. Observed: 1 variant allele.
Comment: BA1, BS1, BP4_moderate

Blueprint Genetics
Classification: Likely benign. Last evaluated: 2024-11-19. Review status: criteria provided, single submitter. Criteria: ACMG Guidelines, 2015. Collection method: clinical testing. Allele origin: germline.

GeneDx
Classification: Likely benign. Last evaluated: 2020-09-14. Review status: criteria provided, single submitter. Criteria: GeneDx Variant Classification Process June 2021. Collection method: clinical testing. Allele origin: germline. Affected: yes.
Comment: This variant is associated with the following publications: (PMID: 26683795)

Illumina Laboratory Services, Illumina
Classification: Benign for Hyperalphalipoproteinemia 1. Last evaluated: 2018-01-12. Review status: criteria provided, single submitter. Criteria: ICSL Variant Classification Criteria 13 December 2019. Collection method: clinical testing. Allele origin: germline.
Comment: This variant was observed in the ICSL laboratory as part of a predisposition screen in an ostensibly healthy population. It had not been previously curated by ICSL or reported in the Human Gene Mutation Database (HGMD: prior to June 1st, 2018), and was therefore a candidate for classification through an automated scoring system. Utilizing variant allele frequency, disease prevalence and penetrance estimates, and inheritance mode, an automated score was calculated to assess if this variant is too frequent to cause the disease. Based on the score and internal cut-off values, a variant classified as benign is not then subjected to further curation. The score for this variant resulted in a classification of benign for this disease.

Breakthrough Genomics
Classification: Likely benign. Review status: criteria provided, single submitter. Criteria: ACMG Guidelines, 2015. Collection method: not provided. Allele origin: germline. Inheritance: Autosomal dominant inheritance. Affected: yes.

PreventionGenetics, part of Exact Sciences
Classification: Likely benign for CETP-related condition. Last evaluated: 2019-05-08. Review status: no assertion criteria provided. Collection method: clinical testing. Allele origin: germline. Not counted in ClinVar's aggregate classification.
Comment: This variant is classified as likely benign based on ACMG/AMP sequence variant interpretation guidelines (Richards et al. 2015 PMID: 25741868, with internal and published modifications).

Literature cited by the submitters: PubMed 18468607 (cited by Mayo Clinic Laboratories, Mayo Clinic); PubMed 26683795 (cited by Mayo Clinic Laboratories, Mayo Clinic); PubMed 29618726 (cited by Mayo Clinic Laboratories, Mayo Clinic); PubMed 32041611 (cited by Mayo Clinic Laboratories, Mayo Clinic).

NM_000078.3(CETP):c.1153G>A (p.Val385Met)

Gene: CETP (cholesteryl ester transfer protein; plus strand). Cytogenetic location: 16q13.
Variant type: single nucleotide variant.
Coding change: c.1153G>A on transcript NM_000078.3 (MANE Select); coding-DNA position 1153, G replaced by A.
Protein change: p.Val385Met; replaces valine 385 with methionine.
Molecular consequence: missense variant.
Genome position (GRCh38, 1-based): chr16:56,981,164, G>A. VCF-style: chr16-56981164-G-A. GRCh37 (hg19) VCF-style: chr16-57015076-G-A.
Other names: c.973G>A, p.Val325Met (NM_001286085.2); short protein forms V385M, V325M.
Identifiers: ClinVar variation 319990 (VCV000319990.20), dbSNP rs34855278, ClinGen allele CA8071254.